The following is an entry in ClinVar:

NC_000017.11:g.43045676_43045803del

Gene: BRCA1 (BRCA1 DNA repair associated; minus strand). Cytogenetic location: 17q21.31.
Variant type: Deletion.
Genome position: GRCh38: chr17:43,045,676-43,045,803. GRCh37 (hg19): chr17:41,197,693-41,197,820.
Identifiers: ClinVar variation 1049236 (VCV001049236.2), dbSNP rs2152474705, ClinGen allele CA2499224337.

ClinVar aggregate classification (germline): Pathogenic. Review status: no assertion criteria provided (0 of 4 stars). 2 submissions from 1 submitter: Pathogenic (2).

Conditions:
Breast-ovarian cancer, familial, susceptibility to, 1 (BROVCA1). Also called: BRCA1 Hereditary Breast and Ovarian Cancer; OVARIAN CANCER, SUSCEPTIBILITY TO. Identifiers: Orphanet 145, MedGen C2676676, MONDO:0011450, OMIM 604370. Disease mechanism: loss of function.
Malignant tumor of breast. Also called: Malignant breast neoplasm; Cancer breast. Identifiers: MedGen C0006142, MONDO:0007254. Disease mechanism: loss of function.

Submissions (2):

Department of Pathology and Laboratory Medicine, Sinai Health System
Classification: Pathogenic for Malignant tumor of breast. Review status: no assertion criteria provided. Collection method: clinical testing. Allele origin: unknown. Affected: yes. Study: The Canadian Open Genetics Repository (COGR).
Comment: The BRCA1 c.5468-?_5592+?del deletion variant (chr17.GRCh37/hg19.g.41197693-?_41197817+?del) results in a deletion of exon 24, although the precise breakpoints of this deletion were not determined, nor were the effects of this variant on the resulting mRNA or protein product determined. The variant was identified in 19 of 7164 proband chromosomes (frequency: 0.003) from selected and unselected (familial or without family history) Greek and German individuals or families with breast and ovarian cancer (Engert 2008, Armaou 2007, Armaou 2009, Stavropoulou 2013). In two studies, two deletions were found to encompass the polyA tail region and 3â€šÃ„Ã´ untranslated region (UTR) of the gene; however, the exact breakpoints were determined and they differed (Engert 2008, Armaou 2007). RNA analysis from both studies showed a loss of transcript, suggesting that the deletion of the polyA tail region and 3â€šÃ„Ã´UTR may result in nonsense-meditated decay of the variant RNA transcript. Armaou et al (2009) also describe that 10% of Greek patients who develop early onset breast cancer (<40 yrs) carry 1 of 4 common BRCA1 mutations which included the deletion of exon 24. The variant was not identified in dbSNP, Clinvitae database, LOVD-IARC database, ARUP Laboratories BRCA Mutations Database,COSMIC, the ClinVar database), GeneInsight COGR database, the BIC database, and UMD, Fanconi Anemia Mutation Database (LOVD). This alteration is predicted to result in a truncated or absent protein and loss of function. Loss of function variants of the BRCA1 gene are an established mechanism of disease in hereditary breast and ovarian cancer and is the type of variant expected to cause the disorder. In summary, based on the above information, this variant meets our laboratoryâ€šÃ„Ã´s criteria to be classified as pathogenic.

Department of Pathology and Laboratory Medicine, Sinai Health System
Classification: Pathogenic for Breast-ovarian cancer, familial, susceptibility to, 1. Review status: no assertion criteria provided. Collection method: clinical testing. Allele origin: unknown. Affected: yes. Study: The Canadian Open Genetics Repository (COGR).
Comment: the same text as in the submission from Department of Pathology and Laboratory Medicine, Sinai Health System above.